The following is an entry in ClinVar:

NM_053025.4(MYLK):c.4459C>T (p.Arg1487Ter)

Gene: MYLK (myosin light chain kinase; minus strand). Cytogenetic location: 3q21.1.
Variant type: single nucleotide variant.
Coding change: c.4459C>T on transcript NM_053025.4 (MANE Select); coding-DNA position 4459, C replaced by T.
Protein change: p.Arg1487Ter; replaces arginine 1487 with a stop codon.
Molecular consequence: nonsense.
Genome position (GRCh38, 1-based): chr3:123,647,384, G>A on the plus strand (C>T on the coding strand, the complement: MYLK is on the minus strand). VCF-style: chr3-123647384-G-A. GRCh37 (hg19) VCF-style: chr3-123366231-G-A.
Other names: c.3931C>T, p.Arg1311Ter (NM_001321309.2); c.4252C>T, p.Arg1418Ter (NM_053026.4, NM_053028.4); c.4459C>T, p.Arg1487Ter (NM_053027.4); short protein forms R1487*, R1311*, R1418*.
Identifiers: ClinVar variation 268203 (VCV000268203.5), dbSNP rs886229659, ClinGen allele CA354227306.

ClinVar aggregate classification (germline): Pathogenic. Review status: criteria provided, single submitter (1 of 4 stars). 2 submissions from 2 submitters: Pathogenic (1). 1 of the submissions does not count toward it. Last evaluated 2022-01-11.

Conditions:
Aortic aneurysm, familial thoracic 7 (AAT7). Also called: AORTIC DISSECTION, FAMILIAL, WITH OR WITHOUT AORTIC ANEURYSM. Identifiers: MedGen C3151077, MONDO:0013418, OMIM 613780.

Allele frequency attached by ClinVar (database versions not stated): gnomAD exomes below 0.00001.
gnomAD v4.1: 3 of 1,614,158 alleles (0.00019%); highest among the groups gnomAD compares: Non-Finnish European, 0.00025%; no homozygotes.

Submissions (2):

Labcorp Genetics (formerly Invitae), Labcorp
Classification: Pathogenic for Aortic aneurysm, familial thoracic 7. Last evaluated: 2022-01-11. Review status: criteria provided, single submitter. Criteria: Invitae Variant Classification Sherloc (09022015). Collection method: clinical testing. Allele origin: germline.
Comment: For these reasons, this variant has been classified as Pathogenic. ClinVar contains an entry for this variant (Variation ID: 268203). This premature translational stop signal has been observed in individual(s) with thoracic aortic aneurysm and dissection (PMID: 25907466, 28401540). This variant is present in population databases (no rsID available, gnomAD 0.0009%). This sequence change creates a premature translational stop signal (p.Arg1487*) in the MYLK gene. This variant occurs within the aortic-specific isoform of MYLK. Loss-of-function variants in the aortic-specific isoform of MYLK are known to be pathogenic for thoracic aortic dissections (PMID: 21055718).

Cardiogenetics, Center of Medical Genetics, Antwerp, Belgium
Classification: Pathogenic for Aortic aneurysm, familial thoracic 7. Last evaluated: 2016-11-03. Review status: no assertion criteria provided. Collection method: research. Allele origin: germline. Not counted in ClinVar's aggregate classification.

Literature cited by the submitters: PubMed 25907466 (cited by Labcorp Genetics (formerly Invitae), Labcorp); PubMed 28401540 (cited by Labcorp Genetics (formerly Invitae), Labcorp and Cardiogenetics, Center of Medical Genetics, Antwerp, Belgium); PubMed 21055718 (cited by Labcorp Genetics (formerly Invitae), Labcorp).